The following is an entry in ClinVar:

NM_000355.3(TCN2):c.-244C>T

Genes: TCN2 (transcobalamin 2; plus strand), LOC121853040 (Sharpr-MPRA regulatory region 10016; plus strand). Cytogenetic location: 22q12.2.
Variant type: single nucleotide variant.
Coding change: c.-244C>T on transcript NM_000355.3; 244 bases upstream of the start codon, C replaced by T.
Genome position (GRCh38, 1-based): chr22:30,607,088, C>T. VCF-style: chr22-30607088-C-T. GRCh37 (hg19) VCF-style: chr22-31003075-C-T.
Identifiers: ClinVar variation 341179 (VCV000341179.9), dbSNP rs143029449, ClinGen allele CA10653347.

ClinVar aggregate classification (germline): Benign/Likely benign. Review status: criteria provided, multiple submitters, no conflicts (2 of 4 stars). 3 submissions from 3 submitters: Benign (1); Likely benign (2). Last evaluated 2021-06-24.

Conditions:
Transcobalamin II deficiency (TCN2D). Also called: Transcolabamin II deficiency; TC II DEFICIENCY; TCN2 DEFICIENCY. Identifiers: Orphanet 859, MedGen C0342701, MONDO:0010149, OMIM 275350.

Allele frequency attached by ClinVar (database versions not stated): 1000 Genomes Project 30x 0.00640; gnomAD 0.00698 and 0.00657; 1000 Genomes Project 0.00699; TOPMed 0.00655; gnomAD exomes 0.01061.

Submissions (3):

GeneDx
Classification: Likely benign. Last evaluated: 2021-06-24. Review status: criteria provided, single submitter. Criteria: GeneDx Variant Classification Process June 2021. Collection method: clinical testing. Allele origin: germline. Affected: yes.

Illumina Laboratory Services, Illumina
Classification: Benign for Transcobalamin II deficiency. Last evaluated: 2018-01-13. Review status: criteria provided, single submitter. Criteria: ICSL Variant Classification Criteria 13 December 2019. Collection method: clinical testing. Allele origin: germline.
Comment: This variant was observed in the ICSL laboratory as part of a predisposition screen in an ostensibly healthy population. It had not been previously curated by ICSL or reported in the Human Gene Mutation Database (HGMD: prior to June 1st, 2018), and was therefore a candidate for classification through an automated scoring system. Utilizing variant allele frequency, disease prevalence and penetrance estimates, and inheritance mode, an automated score was calculated to assess if this variant is too frequent to cause the disease. Based on the score and internal cut-off values, a variant classified as benign is not then subjected to further curation. The score for this variant resulted in a classification of benign for this disease.

Breakthrough Genomics
Classification: Likely benign. Review status: criteria provided, single submitter. Criteria: ACMG Guidelines, 2015. Collection method: not provided. Allele origin: germline. Inheritance: Autosomal recessive inheritance. Affected: yes.